The following is an entry in ClinVar:

ClinVar aggregate classification (germline): Pathogenic (1 of 4 stars; one submission).

Submission:

GeneDx
Classification: Pathogenic. Last evaluated: 2026-04-27. Review status: criteria provided, single submitter. Criteria: GeneDx Variant Classification Process June 2021. Collection method: clinical testing. Allele origin: germline.
Comment: Observed in multiple unrelated individuals with LMNA-related cardiac disease in published literature (PMID: 27884249); Frameshift variant predicted to result in protein truncation or nonsense mediated decay in a gene for which loss of function is a known mechanism of disease; Not observed at significant frequency in large population cohorts (gnomAD); This variant is associated with the following publications: (PMID: 27884249)

NM_170707.4(LMNA):c.1173dup (p.Ser392fs)

Gene: LMNA (lamin A/C; plus strand). Cytogenetic location: 1q22.
Variant type: Duplication.
Coding change: c.1173dup on transcript NM_170707.4 (MANE Select); coding-DNA position 1173, one base duplicated (C; older notation c.1173dupC).
Protein change: p.Ser392fs; shifts the reading frame from serine 392.
Molecular consequence: frameshift variant.
Genome position (GRCh38, 1-based): chr1:156,136,229, C duplicated; the last of 5 consecutive C bases (chr1:156,136,225-156,136,229); duplicating any one gives the same sequence. VCF-style (leftmost placement, unchanged base first): chr1-156136224-T-TC. GRCh37 (hg19) VCF-style: chr1-156106015-T-TC.
Other names: c.837dup, p.Ser280fs (NM_001257374.3, NM_001406989.1, NM_001406998.1); c.930dup, p.Ser311fs (NM_001282624.2, NM_001406986.1, NM_001406987.1); c.1173dup, p.Ser392fs (NM_001282625.2, NM_001282626.2, NM_001406983.1 and 6 more transcripts); c.876dup, p.Ser293fs (NM_001406988.1); c.615dup, p.Ser206fs (NM_001406990.1, NM_001406993.1, NM_001406995.1 and 4 more transcripts); c.549dup, p.Ser184fs (NM_001406994.1, NM_001406999.1, NM_001407000.1 and 1 more transcripts); short protein forms S184fs, S206fs, S280fs, S293fs, S311fs, S392fs.
Identifiers: ClinVar variation 3776335 (VCV003776335.2).
Genomic context (GRCh38, chr1:156,136,224, plus strand): 5'-GGCCGGCAACTGGCCTTGACTAGACCCCCACTTGGTCTCCCTCTCCCCAGGCTACGCCTG[T>TC]CCCCCAGCCCTACCTCGCAGCGCAGCCGTGGCCGTGCTTCCTCTCACTCATCCCAGACAC-3'